The following is an entry in ClinVar:

NM_017654.4(SAMD9):c.1982A>G (p.Glu661Gly)

Gene: SAMD9 (sterile alpha motif domain containing 9; minus strand). Cytogenetic location: 7q21.2.
Variant type: single nucleotide variant.
Coding change: c.1982A>G on transcript NM_017654.4 (MANE Select); coding-DNA position 1982, A replaced by G.
Protein change: p.Glu661Gly; replaces glutamic acid 661 with glycine.
Molecular consequence: missense variant.
Genome position (GRCh38, 1-based): chr7:93,104,116, T>C on the plus strand (A>G on the coding strand, the complement: SAMD9 is on the minus strand). VCF-style: chr7-93104116-T-C. GRCh37 (hg19) VCF-style: chr7-92733429-T-C.
Other names: c.1982A>G, p.Glu661Gly (NM_001193307.2); short protein forms E661G.
Identifiers: ClinVar variation 3370569 (VCV003370569.1).

ClinVar aggregate classification (germline): Uncertain significance (1 of 4 stars; one submission).

Submission:

GeneDx
Classification: Uncertain significance. Last evaluated: 2024-03-11. Review status: criteria provided, single submitter. Criteria: GeneDx Variant Classification Process June 2021. Collection method: clinical testing. Allele origin: germline. Affected: yes.
Comment: Not observed at significant frequency in large population cohorts (gnomAD); In silico analysis supports that this missense variant has a deleterious effect on protein structure/function; Has not been previously published as pathogenic or benign to our knowledge